The following is an entry in ClinVar:

NM_000421.5(KRT10):c.1488C>A (p.Gly496=)

Gene: KRT10 (keratin 10; minus strand). Cytogenetic location: 17q21.2.
Variant type: single nucleotide variant.
Coding change: c.1488C>A on transcript NM_000421.5 (MANE Select); coding-DNA position 1488, C replaced by A.
Protein change: p.Gly496=; no amino-acid change (glycine 496 retained).
Molecular consequence: synonymous variant.
Genome position (GRCh38, 1-based): chr17:40,819,047, G>T on the plus strand (C>A on the coding strand, the complement: KRT10 is on the minus strand). VCF-style: chr17-40819047-G-T. GRCh37 (hg19) VCF-style: chr17-38975299-G-T.
Other names: c.1488C>A, p.Gly496= (NM_001379366.1); c.1488C>A (NM_000421.3).
Identifiers: ClinVar variation 2887035 (VCV002887035.4), dbSNP rs1905208866, ClinGen allele CA499971935.
Genomic context (GRCh38, chr17:40,819,047, plus strand): 5'-TCCGCCCCCGTAGCCGCCGCCGGAGCTTCCGCCGCCGGAGCTTCCGCCTCCGTAGCCGCC[G>T]CCGGAACTGCCGCCGTGGCCGCCGCCGTGGCCGCCGCCGGAGCTTCCGCCGCCGGAGCTT-3'
Protein context (NP_000412.4, residues 486-506): GHGGGHGGSS[Gly496=]GGYGGGSSGG

ClinVar aggregate classification (germline): Likely benign. Review status: criteria provided, single submitter (1 of 4 stars). 2 submissions from 2 submitters: Likely benign (1). 1 of the submissions does not count toward it. Last evaluated 2025-09-25.

Conditions:
KRT10-related disorder. Also called: KRT10-related condition.

gnomAD v4.1: 6 of 1,347,848 alleles (0.00045%); highest among the groups gnomAD compares: Admixed American, 0.0027%; no homozygotes.

Submissions (2):

Labcorp Genetics (formerly Invitae), Labcorp
Classification: Likely benign. Last evaluated: 2025-09-25. Review status: criteria provided, single submitter. Criteria: Invitae Variant Classification Sherloc (09022015). Collection method: clinical testing. Allele origin: germline.

PreventionGenetics, part of Exact Sciences
Classification: Likely benign for KRT10-related condition. Last evaluated: 2019-07-11. Review status: no assertion criteria provided. Collection method: clinical testing. Allele origin: germline. Not counted in ClinVar's aggregate classification.
Comment: This variant is classified as likely benign based on ACMG/AMP sequence variant interpretation guidelines (Richards et al. 2015 PMID: 25741868, with internal and published modifications).